The following is an entry in ClinVar:

ClinVar aggregate classification (germline): Conflicting classifications of pathogenicity. Review status: criteria provided, conflicting classifications (1 of 4 stars). 2 submissions from 2 submitters: Uncertain significance (1); Likely benign (1). Last evaluated 2026-05-14.

Conditions:
Inborn genetic diseases. Identifiers: MedGen C0950123, MeSH D030342.
CUL4B-related disorder. Also called: CUL4B-related condition.

Allele frequency attached by ClinVar (database versions not stated): 1000 Genomes Project 30x 0.00021; 1000 Genomes Project 0.00026; ExAC 0.00006.
gnomAD v4.1: 20 of 1,207,350 alleles (0.0017%); highest among the groups gnomAD compares: South Asian, 0.028%; no homozygotes.

Submissions (2):

PreventionGenetics, part of Exact Sciences
Classification: Uncertain significance for CUL4B-related condition. Last evaluated: 2026-05-14. Review status: criteria provided, single submitter. Criteria: ACMG Guidelines, 2015. Collection method: clinical testing. Allele origin: germline.
Comment: The CUL4B c.20G>A variant is predicted to result in the amino acid substitution p.Gly7Glu. To our knowledge, this variant has not been reported in the literature. This variant is reported in 0.047% of alleles in individuals of South Asian descent in gnomAD. Although we suspect that this variant may be benign, at this time, the clinical significance of this variant is uncertain due to the absence of conclusive functional and genetic evidence.

Ambry Genetics
Classification: Likely benign for Inborn genetic diseases. Last evaluated: 2023-12-28. Review status: criteria provided, single submitter. Criteria: Ambry Variant Classification Scheme 2023. Collection method: clinical testing. Allele origin: germline.

NM_003588.4(CUL4B):c.20G>A (p.Gly7Glu)

Gene: CUL4B (cullin 4B; minus strand). Cytogenetic location: Xq24.
Variant type: single nucleotide variant.
Coding change: c.20G>A on transcript NM_003588.4; coding-DNA position 20, G replaced by A.
Protein change: p.Gly7Glu; replaces glycine 7 with glutamic acid.
Molecular consequence: missense variant.
Genome position (GRCh38, 1-based): chrX:120,574,598, C>T on the plus strand (G>A on the coding strand, the complement: CUL4B is on the minus strand). VCF-style: chrX-120574598-C-T. GRCh37 (hg19) VCF-style: chrX-119708453-C-T.
Other names: short protein forms G7E.
Identifiers: ClinVar variation 2634030 (VCV002634030.3), dbSNP rs757896094, ClinGen allele CA10505807.